The following is an entry in ClinVar:

ClinVar aggregate classification (germline): Uncertain significance (1 of 4 stars; one submission).

Conditions:
Inborn genetic diseases. Identifiers: MedGen C0950123, MeSH D030342.

Submission:

Ambry Genetics
Classification: Uncertain significance for Inborn genetic diseases. Last evaluated: 2025-03-30. Review status: criteria provided, single submitter. Criteria: Ambry Variant Classification Scheme 2023. Collection method: clinical testing. Allele origin: germline.
Comment: The p.D832E variant (also known as c.2496C>G), located in coding exon 13 of the ASXL1 gene, results from a C to G substitution at nucleotide position 2496. The aspartic acid at codon 832 is replaced by glutamic acid, an amino acid with highly similar properties. This amino acid position is conserved. In addition, this alteration is predicted to be tolerated by in silico analysis. Based on the available evidence, the clinical significance of this variant remains unclear.

NM_015338.6(ASXL1):c.2496C>G (p.Asp832Glu)

Gene: ASXL1 (ASXL transcriptional regulator 1; plus strand). Cytogenetic location: 20q11.21.
Variant type: single nucleotide variant.
Coding change: c.2496C>G on transcript NM_015338.6 (MANE Select); coding-DNA position 2496, C replaced by G.
Protein change: p.Asp832Glu; replaces aspartic acid 832 with glutamic acid.
Molecular consequence: missense variant.
Genome position (GRCh38, 1-based): chr20:32,435,208, C>G. VCF-style: chr20-32435208-C-G. GRCh37 (hg19) VCF-style: chr20-31023011-C-G.
Other names: c.2313C>G, p.Asp771Glu (NM_001363734.1); short protein forms D771E, D832E.
Identifiers: ClinVar variation 3955516 (VCV003955516.1).